The following is an entry in ClinVar:

ClinVar aggregate classification (germline): Uncertain significance (1 of 4 stars; one submission).

Submission:

GeneDx
Classification: Uncertain significance. Last evaluated: 2025-02-06. Review status: criteria provided, single submitter. Criteria: GeneDx Variant Classification Process June 2021. Collection method: clinical testing. Allele origin: germline. Affected: yes.
Comment: Not observed at significant frequency in large population cohorts (gnomAD); In silico analysis indicates that this missense variant does not alter protein structure/function; Has not been previously published as pathogenic or benign to our knowledge

NM_001364905.1(LRBA):c.6330+4138G>C

Genes: LRBA (LPS responsive beige-like anchor protein; minus strand), MAB21L2 (mab-21 like 2; plus strand). Cytogenetic location: 4q31.3.
Variant type: single nucleotide variant.
Coding change: c.6330+4138G>C on transcript NM_001364905.1 (MANE Select); 4138 bases into the intron after coding-DNA position 6330, G replaced by C.
Molecular consequence: intron variant. On other transcripts: missense variant (1).
Genome position (GRCh38, 1-based): chr4:150,583,910, C>G on the plus strand (G>C on the coding strand, the complement: LRBA is on the minus strand). VCF-style: chr4-150583910-C-G. GRCh37 (hg19) VCF-style: chr4-151505062-C-G.
Other names: c.881C>G, p.Ser294Trp (NM_006439.5); c.6330+4138G>C (NM_001367550.1, NM_001199282.3, NM_001440431.1); c.6363+4138G>C (NM_006726.5, NM_001440430.1); short protein forms S294W.
Identifiers: ClinVar variation 4074480 (VCV004074480.1).
Genomic context (GRCh38, chr4:150,583,910, plus strand): 5'-TGAAGACGCTGCTGCTGTACGAGTGCGAGAAACACCCACGAGAAACGGACTGGGACGAGT[C>G]GTGCCTGGGCGACCGGCTCAACGGCATCCTGCTGCAGCTCATCTCCTGCCTGCAGTGCCG-3'